The following is an entry in ClinVar:

NM_000531.6(OTC):c.914C>A (p.Pro305His)

Gene: OTC (ornithine transcarbamylase; plus strand). Cytogenetic location: Xp11.4.
Variant type: single nucleotide variant.
Coding change: c.914C>A on transcript NM_000531.6 (MANE Select); coding-DNA position 914, C replaced by A.
Protein change: p.Pro305His; replaces proline 305 with histidine.
Molecular consequence: missense variant.
Genome position (GRCh38, 1-based): chrX:38,411,908, C>A. VCF-style: chrX-38411908-C-A. GRCh37 (hg19) VCF-style: chrX-38271161-C-A.
Other names: short protein forms P305H.
Identifiers: ClinVar variation 97359 (VCV000097359.2), dbSNP rs67501347, ClinGen allele CA224835.

ClinVar aggregate classification (germline): Pathogenic (0 of 4 stars; one submission).

Submission:

GenMed Metabolism Lab
Classification: Pathogenic. Review status: no assertion criteria provided. Collection method: not provided. Allele origin: unknown.
ClinVar note: Converted during submission from pathogenic to Pathogenic.